The following is an entry in ClinVar:

ClinVar aggregate classification (germline): Uncertain significance (1 of 4 stars; one submission).

Conditions:
VIPAS39-related disorder. Also called: VIPAS39-related condition.

Allele frequency attached by ClinVar (database versions not stated): ExAC 0.00001; gnomAD exomes 0.00001; TOPMed 0.00001; gnomAD 0.00003.

Submission:

PreventionGenetics, part of Exact Sciences
Classification: Uncertain significance for VIPAS39-related condition. Last evaluated: 2022-08-26. Review status: criteria provided, single submitter. Criteria: ACMG Guidelines, 2015. Collection method: clinical testing. Allele origin: germline.
Comment: The VIPAS39 c.526C>T variant is predicted to result in the amino acid substitution p.Arg176Cys. To our knowledge, this variant has not been reported in the literature. This variant is reported in 0.012% of alleles in individuals of European (Finnish) descent in gnomAD. At this time, the clinical significance of this variant is uncertain due to the absence of conclusive functional and genetic evidence.

NM_001193315.2(VIPAS39):c.526C>T (p.Arg176Cys)

Gene: VIPAS39 (VPS33B interacting protein, apical-basolateral polarity regulator, spe-39 homolog; minus strand). Cytogenetic location: 14q24.3.
Variant type: single nucleotide variant.
Coding change: c.526C>T on transcript NM_001193315.2 (MANE Select); coding-DNA position 526, C replaced by T.
Protein change: p.Arg176Cys; replaces arginine 176 with cysteine.
Molecular consequence: missense variant. On other transcripts: non-coding transcript variant (1), intron variant (4).
Genome position (GRCh38, 1-based): chr14:77,444,320, G>A on the plus strand (C>T on the coding strand, the complement: VIPAS39 is on the minus strand). VCF-style: chr14-77444320-G-A. GRCh37 (hg19) VCF-style: chr14-77910663-G-A.
Other names: c.526C>T, p.Arg176Cys (NM_001193314.2, NM_001193317.2, NM_001400326.1 and 8 more transcripts); c.379C>T, p.Arg127Cys (NM_001193316.2, NM_001400324.1, NM_001400325.1); c.358-1168C>T (NM_001400337.1); c.505-1168C>T (NM_001400333.1, NM_001400334.1); c.505-12C>T (NM_001400327.1); short protein forms R127C, R176C.
Identifiers: ClinVar variation 2631874 (VCV002631874.1), dbSNP rs760395994, ClinGen allele CA7288059.